The following is an entry in ClinVar:

NM_024675.4(PALB2):c.1647C>A (p.His549Gln)

Gene: PALB2 (partner and localizer of BRCA2; minus strand). Cytogenetic location: 16p12.2.
Variant type: single nucleotide variant.
Coding change: c.1647C>A on transcript NM_024675.4 (MANE Select); coding-DNA position 1647, C replaced by A.
Protein change: p.His549Gln; replaces histidine 549 with glutamine.
Molecular consequence: missense variant.
Genome position (GRCh38, 1-based): chr16:23,634,899, G>T on the plus strand (C>A on the coding strand, the complement: PALB2 is on the minus strand). VCF-style: chr16-23634899-G-T. GRCh37 (hg19) VCF-style: chr16-23646220-G-T.
Other names: short protein forms H549Q.
Identifiers: ClinVar variation 220449 (VCV000220449.37), dbSNP rs747842085, ClinGen allele CA348236.

ClinVar aggregate classification (germline): Conflicting classifications of pathogenicity. Review status: criteria provided, conflicting classifications (1 of 4 stars). 12 submissions from 12 submitters: Uncertain significance (10); Likely benign (2). Last evaluated 2026-01-31.

Conditions:
Fanconi anemia complementation group N. Also called: PALB2-Related Fanconi Anemia. Identifiers: Orphanet 84, MedGen C1835817, MONDO:0012565, OMIM 610832. Disease mechanism: loss of function.
Pancreatic cancer, susceptibility to, 3. Identifiers: Orphanet 1333, MedGen C3150547, MONDO:0013236, OMIM 613348.
Breast-ovarian cancer, familial, susceptibility to, 5 (BROVCA5). Identifiers: MedGen C5830615, MONDO:0957530, OMIM 620442.
Hereditary cancer-predisposing syndrome. Also called: Tumor predisposition; Hereditary neoplastic syndrome; Neoplastic Syndromes, Hereditary; Hereditary Cancer Syndrome. Identifiers: Orphanet 140162, MedGen C0027672, MeSH D009386, MONDO:0015356.
Breast and/or ovarian cancer. Identifiers: MedGen CN221562.
Familial cancer of breast. Also called: hereditary breast carcinoma; Hereditary breast cancer; BREAST CANCER, FAMILIAL. Identifiers: Orphanet 227535, MedGen C0346153, MONDO:0016419, OMIM 114480. Disease mechanism: loss of function.

Allele frequency attached by ClinVar (database versions not stated): ExAC 0.00001; gnomAD 0.00001 and 0.00003; gnomAD exomes 0.00001; TOPMed 0.00001.
gnomAD v4.1: 8 of 1,613,952 alleles (0.0005%); highest among the groups gnomAD compares: Admixed American, 0.005%; no homozygotes.

Submissions (12):

Labcorp Genetics (formerly Invitae), Labcorp
Classification: Uncertain significance for Familial cancer of breast. Last evaluated: 2026-01-31. Review status: criteria provided, single submitter. Criteria: Invitae Variant Classification Sherloc (09022015). Collection method: clinical testing. Allele origin: germline.
Comment: This sequence change replaces histidine, which is basic and polar, with glutamine, which is neutral and polar, at codon 549 of the PALB2 protein (p.His549Gln). This variant is present in population databases (rs747842085, gnomAD 0.0008%). This missense change has been observed in individual(s) with acute lymphoblastic leukemia (PMID: 26580448). ClinVar contains an entry for this variant (Variation ID: 220449). Invitae Evidence Modeling of protein sequence and biophysical properties (such as structural, functional, and spatial information, amino acid conservation, physicochemical variation, residue mobility, and thermodynamic stability) indicates that this missense variant is not expected to disrupt PALB2 protein function with a negative predictive value of 80%. In summary, the available evidence is currently insufficient to determine the role of this variant in disease. Therefore, it has been classified as a Variant of Uncertain Significance.

Women's Health and Genetics/Laboratory Corporation of America, LabCorp
Classification: Uncertain significance. Last evaluated: 2025-09-15. Review status: criteria provided, single submitter. Criteria: LabCorp Variant Classification Summary - May 2015. Collection method: clinical testing. Allele origin: germline.
Comment: Variant summary: PALB2 c.1647C>A (p.His549Gln) results in a non-conservative amino acid change in the encoded protein sequence. Algorithms developed to predict the effect of missense changes on protein structure and function are either unavailable or do not agree on the potential impact of this missense change. The variant allele was found at a frequency of 8e-06 in 251348 control chromosomes (gnomAD). The available data on variant occurrences in the general population are insufficient to allow any conclusion about variant significance. c.1647C>A has been observed in individuals affected with pediatric ALL (Zhang_2015) or undergoing testing for hereditary cancer syndromes (Bhai_2021, Gauvin_2025). These reports do not provide unequivocal conclusions about association of the variant with Hereditary Breast And Ovarian Cancer Syndrome. One co-occurrence with another pathogenic variant has been reported internally (BRIP1 c.875delT, p.Phe292SerfsX11), providing supporting evidence for a benign role. To our knowledge, no experimental evidence demonstrating an impact on protein function has been reported. The following publications have been ascertained in the context of this evaluation (PMID: 26580448, 34326862, 39907309). ClinVar contains an entry for this variant (Variation ID: 220449). Based on the evidence outlined above, the variant was classified as uncertain significance.

Quest Diagnostics Nichols Institute San Juan Capistrano
Classification: Uncertain significance. Last evaluated: 2025-09-02. Review status: criteria provided, single submitter. Criteria: Quest Diagnostics criteria. Collection method: clinical testing. Allele origin: unknown.
Comment: The PALB2 c.1647C>A (p.His549Gln) variant has been reported in individuals with a personal or family history of breast/ovarian cancer (PMID: 39907309 (2025), 34326862 (2021)), and in an individual with acute lymphocytic leukemia (PMID: 26580448 (2015)). The frequency of this variant in the general population (Genome Aggregation Database) is uninformative in the assessment of its pathogenicity. Analysis of this variant using bioinformatics tools for the prediction of the effect of amino acid changes on protein structure and function yielded predictions that this variant is benign. Based on the available information, we are unable to determine the clinical significance of this variant.

Ambry Genetics
Classification: Likely benign for Hereditary cancer-predisposing syndrome. Last evaluated: 2025-07-17. Review status: criteria provided, single submitter. Criteria: Ambry Variant Classification Scheme 2023. Collection method: clinical testing. Allele origin: germline.

Mayo Clinic Laboratories, Mayo Clinic
Classification: Uncertain significance. Last evaluated: 2025-06-20. Review status: criteria provided, single submitter. Criteria: ACMG Guidelines, 2015. Collection method: clinical testing. Allele origin: germline. Observed: 1 variant allele.
Comment: BP1

Myriad Genetics, Inc.
Classification: Likely benign for Familial cancer of breast. Last evaluated: 2025-01-14. Review status: criteria provided, single submitter. Criteria: Myriad Autosomal Dominant, Autosomal Recessive and X-Linked Classification Criteria (2023). Collection method: clinical testing. Allele origin: unknown.
Comment: This variant is considered likely benign. This variant is strongly associated with less severe personal and family histories of cancer, typical for individuals without pathogenic variants in this gene [PMID: 25085752].

Color Diagnostics, LLC DBA Color Health
Classification: Uncertain significance for Hereditary cancer-predisposing syndrome. Last evaluated: 2024-09-16. Review status: criteria provided, single submitter. Criteria: ACMG Guidelines, 2015. Collection method: clinical testing. Allele origin: germline.
Comment: This missense variant replaces histidine with glutamine at codon 549 of the PALB2 protein. Computational prediction suggests that this variant may not impact protein structure and function. To our knowledge, functional studies have not been performed for this variant. This variant has been reported in an individual affected with pediatric acute lymphoblastic leukemia (PMID: 26580448). This variant has been identified in 3/282742 chromosomes in the general population by the Genome Aggregation Database (gnomAD). The available evidence is insufficient to determine the role of this variant in disease conclusively. Therefore, this variant is classified as a Variant of Uncertain Significance.

GeneDx
Classification: Uncertain significance. Last evaluated: 2024-05-01. Review status: criteria provided, single submitter. Criteria: GeneDx Variant Classification Process June 2021. Collection method: clinical testing. Allele origin: germline. Affected: yes.
Comment: Not observed at significant frequency in large population cohorts (gnomAD); In silico analysis indicates that this missense variant does not alter protein structure/function; Identified in a patient with pediatric-onset acute lymphocytic leukemia (PMID: 26580448); This variant is associated with the following publications: (PMID: 26580448, 34326862)

Department of Pathology and Laboratory Medicine, Sinai Health System
Classification: Uncertain significance for Fanconi anemia complementation group N; Pancreatic cancer, susceptibility to, 3; Breast-ovarian cancer, familial, susceptibility to, 5. Last evaluated: 2023-05-09. Review status: criteria provided, single submitter. Criteria: ACMG Guidelines, 2015. Collection method: clinical testing. Allele origin: germline. Affected: yes.

Laboratory for Molecular Medicine, Mass General Brigham Personalized Medicine
Classification: Uncertain significance. Last evaluated: 2023-01-13. Review status: criteria provided, single submitter. Criteria: ACMG Guidelines, 2015. Collection method: clinical testing. Allele origin: germline.
Comment: The p.His549Gln variant in PALB2 has been reported in 1 child with acute lymphocytic leukemia (Zhang 2015 PMID: 26580448). It has also been identified in 1/15268 Latino/Admixed American chromosomes by gnomAD. This variant has also been reported in ClinVar (Variation ID 220449). Computational prediction tools and conservation analyses suggest that this variant may not impact the protein, though this information is not predictive enough to rule out pathogenicity. In summary, the clinical significance of this variant is uncertain. ACMG/AMP Criteria applied: BP4.

Sema4
Classification: Uncertain significance for Hereditary cancer-predisposing syndrome. Last evaluated: 2022-02-11. Review status: criteria provided, single submitter. Criteria: Sema4 Curation Guidelines. Collection method: curation. Allele origin: germline.
Comment: The PALB2 c.1647C>A (p.H549Q) variant has been reported in heterozygosity in at least one individual with pediatric acute lymphoblastic leukemia (PMID: 26580448). This variant was observed in 1/35414 chromosomes in the Latino population, according to the Genome Aggregation Database (PMID: 32461654). The variant has been reported in ClinVar (Variation ID: 220449). In silico tools suggest the impact of the variant on protein function is benign, though these predictions have not been confirmed by functional studies. The evidence is insufficient to meet ACMG/AMP criteria for classifying the variant as benign or pathogenic. Thus, the clinical significance of this variant is currently uncertain.

CHEO Genetics Diagnostic Laboratory, Children's Hospital of Eastern Ontario
Classification: Uncertain significance for Breast and/or ovarian cancer. Last evaluated: 2020-11-06. Review status: criteria provided, single submitter. Criteria: ACMG Guidelines, 2015. Collection method: clinical testing. Allele origin: germline.

Literature cited by the submitters: PubMed 26580448 (cited by 9 submitters); PubMed 34326862 (cited by 3 submitters); PubMed 39907309 (cited by Women's Health and Genetics/Laboratory Corporation of America, LabCorp and Quest Diagnostics Nichols Institute San Juan Capistrano); PubMed 25085752 (cited by Myriad Genetics, Inc.).